The following is an entry in ClinVar:

ClinVar aggregate classification (germline): Uncertain significance. Review status: criteria provided, multiple submitters, no conflicts (2 of 4 stars). 2 submissions from 2 submitters: Uncertain significance (2). Last evaluated 2026-01-26.

Conditions:
Inborn genetic diseases. Identifiers: MedGen C0950123, MeSH D030342.

Allele frequency attached by ClinVar (database versions not stated): gnomAD exomes below 0.00001 and 0.00001; ExAC 0.00001; gnomAD 0.00001; TOPMed 0.00003.
gnomAD v4.1: 16 of 1,614,056 alleles (0.00099%); highest among the groups gnomAD compares: African/African-American, 0.0067%; no homozygotes.

Submissions (2):

Labcorp Genetics (formerly Invitae), Labcorp
Classification: Uncertain significance. Last evaluated: 2026-01-26. Review status: criteria provided, single submitter. Criteria: Invitae Variant Classification Sherloc (09022015). Collection method: clinical testing. Allele origin: germline.
Comment: This sequence change replaces aspartic acid, which is acidic and polar, with glycine, which is neutral and non-polar, at codon 745 of the DSG1 protein (p.Asp745Gly). This variant is present in population databases (rs763841604, gnomAD 0.007%). This variant has not been reported in the literature in individuals affected with DSG1-related conditions. ClinVar contains an entry for this variant (Variation ID: 1433338). Invitae Evidence Modeling of protein sequence and biophysical properties (such as structural, functional, and spatial information, amino acid conservation, physicochemical variation, residue mobility, and thermodynamic stability) indicates that this missense variant is not expected to disrupt DSG1 protein function with a negative predictive value of 80%. In summary, the available evidence is currently insufficient to determine the role of this variant in disease. Therefore, it has been classified as a Variant of Uncertain Significance.

Ambry Genetics
Classification: Uncertain significance for Inborn genetic diseases. Last evaluated: 2025-08-03. Review status: criteria provided, single submitter. Criteria: Ambry Variant Classification Scheme 2023. Collection method: clinical testing. Allele origin: germline.

NM_001942.4(DSG1):c.2234A>G (p.Asp745Gly)

Genes: DSG1 (desmoglein 1; plus strand), DSG1-AS1 (DSG1 antisense RNA 1; minus strand), LOC126862720 (MED14-independent group 3 enhancer GRCh37_chr18:28933613-28934812; plus strand). Cytogenetic location: 18q12.1.
Variant type: single nucleotide variant.
Coding change: c.2234A>G on transcript NM_001942.4 (MANE Select); coding-DNA position 2234, A replaced by G.
Protein change: p.Asp745Gly; replaces aspartic acid 745 with glycine.
Molecular consequence: missense variant. On other transcripts: non-coding transcript variant (1).
Genome position (GRCh38, 1-based): chr18:31,354,430, A>G. VCF-style: chr18-31354430-A-G. GRCh37 (hg19) VCF-style: chr18-28934393-A-G.
Other names: c.2234A>G (NM_001942.2); short protein forms D745G.
Identifiers: ClinVar variation 1433338 (VCV001433338.7), dbSNP rs763841604, ClinGen allele CA8926323.